The following is an entry in ClinVar:

ClinVar aggregate classification (germline): Likely benign (1 of 4 stars; one submission).

Submission:

CeGaT Center for Human Genetics Tuebingen
Classification: Likely benign. Last evaluated: 2026-04-01. Review status: criteria provided, single submitter. Criteria: CeGaT Center For Human Genetics Tuebingen Variant Classification Criteria Version 2. Collection method: clinical testing. Allele origin: germline. Affected: yes. Observed: 1 variant allele.
Comment: SNAP29: PM2:Supporting, BP4, BP7

NM_004782.4(SNAP29):c.21C>T (p.Ser7=)

Gene: SNAP29 (synaptosome associated protein 29; plus strand). Cytogenetic location: 22q11.21.
Variant type: single nucleotide variant.
Coding change: c.21C>T on transcript NM_004782.4 (MANE Select); coding-DNA position 21, C replaced by T.
Protein change: p.Ser7=; no amino-acid change (serine 7 retained).
Molecular consequence: synonymous variant.
Genome position (GRCh38, 1-based): chr22:20,859,131, C>T. VCF-style: chr22-20859131-C-T. GRCh37 (hg19) VCF-style: chr22-21213419-C-T.
Identifiers: ClinVar variation 4874527 (VCV004874527.2).